The following is an entry in ClinVar:

NM_000312.4(PROC):c.945A>G (p.Ile315Met)

Gene: PROC (protein C, inactivator of coagulation factors Va and VIIIa; plus strand). Cytogenetic location: 2q14.3.
Variant type: single nucleotide variant.
Coding change: c.945A>G on transcript NM_000312.4 (MANE Select); coding-DNA position 945, A replaced by G.
Protein change: p.Ile315Met; replaces isoleucine 315 with methionine.
Molecular consequence: missense variant.
Genome position (GRCh38, 1-based): chr2:127,428,505, A>G. VCF-style: chr2-127428505-A-G. GRCh37 (hg19) VCF-style: chr2-128186081-A-G.
Other names: c.1128A>G, p.Ile376Met (NM_001375602.1); c.1110A>G, p.Ile370Met (NM_001375603.1); c.1008A>G, p.Ile336Met (NM_001375604.1); c.1047A>G, p.Ile349Met (NM_001375605.1); c.1113A>G, p.Ile371Met (NM_001375606.1); c.1131A>G, p.Ile377Met (NM_001375607.1); c.888A>G, p.Ile296Met (NM_001375608.1); c.921A>G, p.Ile307Met (NM_001375609.1); and 2 more; short protein forms I307M, I336M, I371M, I376M, I377M, I315M, I296M, I313M.
Identifiers: ClinVar variation 864007 (VCV000864007.9), dbSNP rs1688675049, ClinGen allele CA348404995.

ClinVar aggregate classification (germline): Uncertain significance (1 of 4 stars; one submission).

Conditions:
Thrombophilia due to protein C deficiency, autosomal dominant. Also called: PROC DEFICIENCY, AUTOSOMAL DOMINANT; PROTEIN C DEFICIENCY, AUTOSOMAL DOMINANT. Identifiers: Orphanet 745, MedGen C2674321, MONDO:0008316, OMIM 176860. Disease mechanism: loss of function.

Submission:

Labcorp Genetics (formerly Invitae), Labcorp
Classification: Uncertain significance for Thrombophilia due to protein C deficiency, autosomal dominant. Last evaluated: 2019-03-11. Review status: criteria provided, single submitter. Criteria: Invitae Variant Classification Sherloc (09022015). Collection method: clinical testing. Allele origin: germline.
Comment: This sequence change replaces isoleucine with methionine at codon 315 of the PROC protein (p.Ile315Met). The isoleucine residue is highly conserved and there is a small physicochemical difference between isoleucine and methionine. This variant is not present in population databases (ExAC no frequency). This variant has not been reported in the literature in individuals with PROC-related conditions. Algorithms developed to predict the effect of missense changes on protein structure and function are either unavailable or do not agree on the potential impact of this missense change (SIFT: "Deleterious"; PolyPhen-2: "Probably Damaging"; Align-GVGD: "Class C0"). In summary, the available evidence is currently insufficient to determine the role of this variant in disease. Therefore, it has been classified as a Variant of Uncertain Significance.